The following is an entry in ClinVar:

NM_006846.4(SPINK5):c.2471_2474del (p.Lys824fs)

Gene: SPINK5 (serine peptidase inhibitor Kazal type 5; plus strand). Cytogenetic location: 5q32.
Variant type: Microsatellite.
Coding change: c.2471_2474del on transcript NM_006846.4 (MANE Select); coding-DNA positions 2471 to 2474, 4 bases deleted (AAGA; older notation c.2471_2474delAAGA).
Protein change: p.Lys824fs; shifts the reading frame from lysine 824.
Molecular consequence: frameshift variant.
Genome position (GRCh38, 1-based): chr5:148,120,324-148,120,327, AAGA deleted; deleting any 4 consecutive bases within chr5:148,120,319-148,120,327 gives the same sequence; the c. name uses the placement nearest the transcript's 3' end. VCF-style (leftmost placement, unchanged base first): chr5-148120318-AAAAG-A. GRCh37 (hg19) VCF-style: chr5-147499881-AAAAG-A.
Other names: c.2471_2474del, p.Lys824fs (NM_001127698.2, NM_001127699.2); c.2471_2474del (NM_006846.3); short protein forms K824fs.
Identifiers: ClinVar variation 1987697 (VCV001987697.5), dbSNP rs1754222214, ClinGen allele CA1589897951.
Genomic context (GRCh38, chr5:148,120,318, plus strand): 5'-TCACTTTGATTGAAATGTTTCATTGTTTTCCCCCCAGGGAAAGGGAAGCAGCTGAAAAAA[AAAAG>A]AAAGAGGATGAAGACAGGAGCAATACAGGAGAAAGGAGCAATACAGGAGAAAGGAGCAAT-3'

ClinVar aggregate classification (germline): Pathogenic. Review status: criteria provided, multiple submitters, no conflicts (2 of 4 stars). 3 submissions from 3 submitters: Pathogenic (3). Last evaluated 2024-06-12.

Conditions:
Ichthyosis linearis circumflexa. Identifiers: MedGen C0265962, MONDO:0043106, HP:0025810.
Netherton syndrome (NETH). Also called: NETHERTON DISEASE; ERYTHRODERMA, ICHTHYOSIFORM, WITH HYPOTRICHOSIS AND HYPER-IgE; COMEL-NETHERTON SYNDROME. Identifiers: Orphanet 634, MedGen C5574950, MONDO:0009735, OMIM 256500.

Submissions (3):

Labcorp Genetics (formerly Invitae), Labcorp
Classification: Pathogenic for Ichthyosis linearis circumflexa. Last evaluated: 2024-06-12. Review status: criteria provided, single submitter. Criteria: Invitae Variant Classification Sherloc (09022015). Collection method: clinical testing. Allele origin: germline.
Comment: This sequence change creates a premature translational stop signal (p.Lys824Argfs*99) in the SPINK5 gene. It is expected to result in an absent or disrupted protein product. Loss-of-function variants in SPINK5 are known to be pathogenic (PMID: 11511292, 11841556). This variant is not present in population databases (gnomAD no frequency). This premature translational stop signal has been observed in individual(s) with clinical features of Netherton syndrome (PMID: 32533806). This variant is also known as chr5:147499882_147499885delAAAG (p.Lys824ArgfsTer117). For these reasons, this variant has been classified as Pathogenic.

GeneDx
Classification: Pathogenic. Last evaluated: 2023-12-28. Review status: criteria provided, single submitter. Criteria: GeneDx Variant Classification Process June 2021. Collection method: clinical testing. Allele origin: germline. Affected: yes.
Comment: Frameshift variant predicted to result in protein truncation or nonsense mediated decay in a gene for which loss-of-function is a known mechanism of disease; Not observed at significant frequency in large population cohorts (gnomAD); This variant is associated with the following publications: (PMID: 32533806)

3billion
Classification: Pathogenic for Netherton syndrome. Review status: criteria provided, single submitter. Criteria: ACMG Guidelines, 2015. Collection method: clinical testing. Allele origin: unknown. Affected: yes. Observed: 1 homozygote.
Comment: The variant is not observed in the gnomAD v2.1.1 dataset. The variant is predicted to result in a loss or disruption of normal protein function through nonsense-mediated decay (NMD) or protein truncation. Multiple pathogenic variants are reported downstream of the variant. The variant has been reported to be associated with SPINK5 related disorder (PMID: 32533806). Therefore, this variant is classified as Pathogenic according to the recommendation of ACMG/AMP guideline.

Literature cited by the submitters: PubMed 11511292 (cited by Labcorp Genetics (formerly Invitae), Labcorp); PubMed 11841556 (cited by Labcorp Genetics (formerly Invitae), Labcorp); PubMed 32533806 (cited by Labcorp Genetics (formerly Invitae), Labcorp and 3billion).